The following is an entry in ClinVar:

ClinVar aggregate classification (germline): Uncertain significance (1 of 4 stars; one submission).

Submission:

Labcorp Genetics (formerly Invitae), Labcorp
Classification: Uncertain significance. Last evaluated: 2025-04-24. Review status: criteria provided, single submitter. Criteria: Invitae Variant Classification Sherloc (09022015). Collection method: clinical testing. Allele origin: germline.
Comment: This sequence change affects an acceptor splice site in intron 3 of the POC5 gene. It is expected to disrupt RNA splicing. Variants that disrupt the donor or acceptor splice site typically lead to a loss of protein function (PMID: 16199547), however the current clinical and genetic evidence is not sufficient to establish whether loss-of-function variants in POC5 cause disease. This variant is not present in population databases (gnomAD no frequency). This variant has not been reported in the literature in individuals affected with POC5-related conditions. Algorithms developed to predict the effect of sequence changes on RNA splicing suggest that this variant may disrupt the consensus splice site. In summary, the available evidence is currently insufficient to determine the role of this variant in disease. Therefore, it has been classified as a Variant of Uncertain Significance.

Literature cited by the submitters: PubMed 16199547.

NM_001099271.2(POC5):c.224-2A>T

Gene: POC5 (POC5 centriolar protein; minus strand). Cytogenetic location: 5q13.3.
Variant type: single nucleotide variant.
Coding change: c.224-2A>T on transcript NM_001099271.2 (MANE Select); the canonical splice acceptor site of the intron before coding-DNA position 224, A replaced by T.
Molecular consequence: splice acceptor variant.
Genome position (GRCh38, 1-based): chr5:75,705,789, T>A on the plus strand (A>T on the coding strand, the complement: POC5 is on the minus strand). VCF-style: chr5-75705789-T-A. GRCh37 (hg19) VCF-style: chr5-75001614-T-A.
Other names: c.149-2A>T (NM_152408.3).
Identifiers: ClinVar variation 4744878 (VCV004744878.1).